The following is an entry in ClinVar:

NM_000155.4(GALT):c.772C>T (p.Arg258Cys)

Gene: GALT (galactose-1-phosphate uridylyltransferase; plus strand). Cytogenetic location: 9p13.3.
Variant type: single nucleotide variant.
Coding change: c.772C>T on transcript NM_000155.4 (MANE Select); coding-DNA position 772, C replaced by T.
Protein change: p.Arg258Cys; replaces arginine 258 with cysteine.
Molecular consequence: missense variant.
Genome position (GRCh38, 1-based): chr9:34,648,846, C>T. VCF-style: chr9-34648846-C-T. GRCh37 (hg19) VCF-style: chr9-34648843-C-T.
Other names: NM_000155.4(GALT):c.772C>T; c.445C>T, p.Arg149Cys (NM_001258332.2); short protein forms R258C, R149C.
Identifiers: ClinVar variation 92522 (VCV000092522.36), dbSNP rs368166217, ClinGen allele CA266764.

ClinVar aggregate classification (germline): Likely pathogenic. Review status: reviewed by expert panel (3 of 4 stars). 18 submissions from 18 submitters: Likely pathogenic (1). 17 of the submissions do not count toward it. Last evaluated 2026-06-23.

Conditions:
Galactosemia. Also called: Galactose intolerance. Identifiers: Orphanet 352, MedGen C0016952, MONDO:0018116, HP:0004919. Disease mechanism: loss of function.
GALT-related disorder. Also called: GALT-related condition.
Deficiency of UDPglucose-hexose-1-phosphate uridylyltransferase. Also called: Transferase Deficiency Galactosemia; GALACTOSEMIA I; GALT deficiency; Galactosemia, classic; GALACTOSE-1-PHOSPHATE URIDYLYLTRANSFERASE DEFICIENCY. Identifiers: Orphanet 352, Orphanet 79239, MedGen C0268151, MONDO:0009258, OMIM 230400.

Allele frequency attached by ClinVar (database versions not stated): gnomAD exomes 0.00005 and 0.00003; ExAC 0.00005; gnomAD 0.00001; ESP Exome Variant Server 0.00008; TOPMed 0.00001.

Submissions 1 to 10 of 18:

Clingen Galactosemia Variant Curation Expert Panel, ClinGen
Classification: Likely pathogenic for Galactosemia. Last evaluated: 2026-06-23. Review status: reviewed by expert panel. Criteria: ClinGen Galactosemia ACMG Specifications GALT V1.1. Collection method: curation. Allele origin: germline. Inheritance: Autosomal recessive inheritance.
Comment: The c.772C>T variant in GALT is a missense variant predicted to cause substitution of arginine by cysteine at amino acid 258 (p.Arg258Cys). The filtering allele frequency (the upper threshold of the 95% CI of 71/1180028) of the c.772C>T variant in GALT is 0.00004863 for European (non-Finnish) chromosomes by gnomAD v4.1.0, which is lower than the ClinGen Galactosemia threshold (≤ 0.0005) for PM2_Supporting, and therefore meets this criterion (PM2_Supporting). The computational predictor REVEL gives a SCORE of 0.952, which is equal to or above the threshold of 0.7, evidence that correlates with impact to GALT function (PP3). This variant has been detected in at least 4 individuals with galactosemia. Of those individuals, all were compound heterozygous for this variant and a pathogenic or likely pathogenic variant (PM3_strong, Internal lab contributors, PMID: 34485021). At least two patients with this variant displayed RBC GALT enzyme activity <10%, which is highly specific for galactosemia (PP4_Moderate, Internal lab contributors). In summary, this variant meets the criteria to be classified as likely pathogenic for galactosemia based on the ACMG/AMP criteria applied, as specified by the ClinGen Galactosemia VCEP: PM3_Strong; PP4_Moderate; PM2_Supporting; PP3 (GALT specifications v1.0.0).

PreventionGenetics, part of Exact Sciences
Classification: Likely pathogenic for GALT-related condition. Last evaluated: 2026-07-10. Review status: criteria provided, single submitter. Criteria: ACMG Guidelines, 2015. Collection method: clinical testing. Allele origin: germline. Not counted in ClinVar's aggregate classification.
Comment: The GALT c.772C>T variant is predicted to result in the amino acid substitution p.Arg258Cys. This variant has been reported along with a second GALT variant in individuals with a milder presentation of galactosemia (see for example: Peter et al. 2022. PubMed ID: 35677809; Yuzyuk et al. 2018. PubMed ID: 33636947; Berry et al. 2000. PubMed ID: 10960497; Treacy et al. 2021. PubMed ID: 34485021). This variant has been reported to retain some residual enzyme activity (Shin et al. 1999. PubMed ID: 10384398; Berry et al. 2000. PubMed ID: 10960497; Shin and Podskarbi et al. 2004. PubMed ID: 15633893). This variant is reported in 0.0053% of alleles in individuals of European (non-Finnish) descent in gnomAD and is interpreted as likely pathogenic/pathogenic in ClinVar (Variation ID: 92522). This variant is interpreted as likely pathogenic.

Dasa
Classification: Pathogenic. Last evaluated: 2026-01-21. Review status: criteria provided, single submitter. Criteria: DASA Assertion Criteria. Collection method: clinical testing. Allele origin: germline. Not counted in ClinVar's aggregate classification.
Comment: NM_000155.4(GALT):c.772C>T (p.Arg258Cys) is a missense variant that results in the substitution of arginine with cysteine. This variant has been observed in affected individuals with related phenotype in a genotype context consistent with recessive disease (PMID: 10960497; PMID: 30718057; PMID: 38469090). This variant has been recurrently observed in individuals with related phenotype (PMID: 10960497; PMID: 30718057; PMID: 38469090). Multiple computational predictions support a deleterious effect on the gene or gene product. The variant is present at low frequency in population datasets. Based on the available data, this variant is classified as pathogenic.

Natera, Inc.
Classification: Likely pathogenic for Galactosemia. Last evaluated: 2025-10-25. Review status: criteria provided, single submitter. Criteria: Natera Variant Classification Schema (03/2026). Collection method: clinical testing. Allele origin: germline. Not counted in ClinVar's aggregate classification.
Comment: The c.772C>T variant in GALT is a missense variant predicted to cause substitution of arginine to cysteine at amino acid 258. This variant is rare in the general population with a frequency below the threshold expected for the associated phenotype(s). This variant has been observed in one or more individuals affected with the associated recessive disease, as either homozygous or compound heterozygous with a second variant (PMID: 10960497, 33636947, 35118398). Functional studies show that this variant may disrupt protein function (PMID: 10384398, 33636947). Computational prediction algorithms indicate this variant is likely to affect gene or protein function. Given the available evidence, this variant is classified as Likely Pathogenic.

Labcorp Genetics (formerly Invitae), Labcorp
Classification: Pathogenic for Deficiency of UDPglucose-hexose-1-phosphate uridylyltransferase. Last evaluated: 2025-10-01. Review status: criteria provided, single submitter. Criteria: Invitae Variant Classification Sherloc (09022015). Collection method: clinical testing. Allele origin: germline. Not counted in ClinVar's aggregate classification.
Comment: This sequence change replaces arginine, which is basic and polar, with cysteine, which is neutral and slightly polar, at codon 258 of the GALT protein (p.Arg258Cys). This variant is present in population databases (rs368166217, gnomAD 0.006%). This missense change has been observed in individual(s) with clinical features of galactosemia (PMID: 10960497, 30718057; internal data). In at least one individual the data is consistent with being in trans (on the opposite chromosome) from a pathogenic variant. ClinVar contains an entry for this variant (Variation ID: 92522). Invitae Evidence Modeling of protein sequence and biophysical properties (such as structural, functional, and spatial information, amino acid conservation, physicochemical variation, residue mobility, and thermodynamic stability) indicates that this missense variant is expected to disrupt GALT protein function with a positive predictive value of 95%. For these reasons, this variant has been classified as Pathogenic.

Genomic Medicine Center of Excellence, King Faisal Specialist Hospital and Research Centre
Classification: Pathogenic for Deficiency of UDPglucose-hexose-1-phosphate uridylyltransferase. Last evaluated: 2025-09-10. Review status: criteria provided, single submitter. Criteria: ACMG Guidelines, 2015. Collection method: clinical testing. Allele origin: germline. Not counted in ClinVar's aggregate classification.

Mayo Clinic Laboratories, Mayo Clinic
Classification: Pathogenic. Last evaluated: 2025-07-14. Review status: criteria provided, single submitter. Criteria: ACMG Guidelines, 2015. Collection method: clinical testing. Allele origin: germline. Observed: 6 variant alleles. Not counted in ClinVar's aggregate classification.
Comment: PP3_strong, PP4, PM2_supporting, PM3, PS4_moderate

Women's Health and Genetics/Laboratory Corporation of America, LabCorp
Classification: Pathogenic for Deficiency of UDPglucose-hexose-1-phosphate uridylyltransferase. Last evaluated: 2025-05-30. Review status: criteria provided, single submitter. Criteria: LabCorp Variant Classification Summary - May 2015. Collection method: clinical testing. Allele origin: germline. Not counted in ClinVar's aggregate classification.
Comment: Variant summary: GALT c.772C>T (p.Arg258Cys) results in a non-conservative amino acid change in the encoded protein sequence. Algorithms developed to predict the effect of missense changes on protein structure and function all suggest that this variant is likely to be disruptive. The variant allele was found at a frequency of 3.2e-05 in 250896 control chromosomes. c.772C>T has been observed in multiple individuals affected with Galactosemia (e.g. Shin_2004, Berry_2000, Ohlsson_2019, Peter_2022, Yuzyuk_2018, internal data). These data indicate that the variant is very likely to be associated with disease. To our knowledge, no experimental evidence demonstrating an impact on protein function has been reported. The following publications have been ascertained in the context of this evaluation (PMID: 10960497, 11261429, 20008339, 31194895, 35677809, 15633893, 10384398, 10408771, 33636947). ClinVar contains an entry for this variant (Variation ID: 92522). Based on the evidence outlined above, the variant was classified as pathogenic.

Myriad Genetics, Inc.
Classification: Likely pathogenic for Deficiency of UDPglucose-hexose-1-phosphate uridylyltransferase. Last evaluated: 2025-05-28. Review status: criteria provided, single submitter. Criteria: Myriad Autosomal Dominant, Autosomal Recessive and X-Linked Classification Criteria (2023). Collection method: clinical testing. Allele origin: unknown. Not counted in ClinVar's aggregate classification.
Comment: NM_000155.3(GALT):c.772C>T(R258C) is a missense variant classified as pathogenic in the context of galactosemia. R258C has been observed in cases with relevant disease (PMID: 10960497, 34485021, 33636947, 23690308, 35677809, 15633893, 17876724, 30808388, 31194895). Relevant functional assessments of this variant are not available in the literature. R258C has been observed in referenced population frequency databases. In summary, NM_000155.3(GALT):c.772C>T(R258C) is a missense variant that has been observed more frequently in cases with the relevant disease than in healthy populations. Please note: this variant was assessed in the context of healthy population screening.

Fulgent Genetics
Classification: Likely pathogenic for Deficiency of UDPglucose-hexose-1-phosphate uridylyltransferase. Last evaluated: 2024-04-17. Review status: criteria provided, single submitter. Criteria: ACMG Guidelines, 2015. Collection method: clinical testing. Allele origin: germline. Not counted in ClinVar's aggregate classification.